The following is an entry in ClinVar:

ClinVar aggregate classification (germline): Uncertain significance (1 of 4 stars; one submission).

Conditions:
Fanconi anemia (FA). Also called: Fanconi's anemia. Identifiers: Orphanet 84, MedGen C0015625, MeSH D005199, MONDO:0019391.

Submission:

Labcorp Genetics (formerly Invitae), Labcorp
Classification: Uncertain significance for Fanconi anemia. Last evaluated: 2023-06-23. Review status: criteria provided, single submitter. Criteria: Invitae Variant Classification Sherloc (09022015). Collection method: clinical testing. Allele origin: germline.
Comment: In summary, the available evidence is currently insufficient to determine the role of this variant in disease. Therefore, it has been classified as a Variant of Uncertain Significance. This sequence change replaces phenylalanine, which is neutral and non-polar, with leucine, which is neutral and non-polar, at codon 1017 of the FANCD2 protein (p.Phe1017Leu). This variant is not present in population databases (gnomAD no frequency). This variant has not been reported in the literature in individuals affected with FANCD2-related conditions. Advanced modeling of protein sequence and biophysical properties (such as structural, functional, and spatial information, amino acid conservation, physicochemical variation, residue mobility, and thermodynamic stability) performed at Invitae indicates that this missense variant is not expected to disrupt FANCD2 protein function.

NM_001018115.3(FANCD2):c.3051T>A (p.Phe1017Leu)

Gene: FANCD2 (FA complementation group D2; plus strand). Cytogenetic location: 3p25.3.
Variant type: single nucleotide variant.
Coding change: c.3051T>A on transcript NM_001018115.3 (MANE Select); coding-DNA position 3051, T replaced by A.
Protein change: p.Phe1017Leu; replaces phenylalanine 1017 with leucine.
Molecular consequence: missense variant.
Genome position (GRCh38, 1-based): chr3:10,081,174, T>A. VCF-style: chr3-10081174-T-A. GRCh37 (hg19) VCF-style: chr3-10122858-T-A.
Other names: c.3051T>A, p.Phe1017Leu (NM_001319984.2, NM_001374254.1, NM_033084.6); c.2940T>A, p.Phe980Leu (NM_001374253.1); short protein forms F1017L, F980L.
Identifiers: ClinVar variation 2725794 (VCV002725794.3), dbSNP rs2470014856, ClinGen allele CA351747522.